The following is an entry in ClinVar:

NM_003738.5(PTCH2):c.1077T>G (p.Phe359Leu)

Gene: PTCH2 (patched 2; minus strand). Cytogenetic location: 1p34.1.
Variant type: single nucleotide variant.
Coding change: c.1077T>G on transcript NM_003738.5 (MANE Select); coding-DNA position 1077, T replaced by G.
Protein change: p.Phe359Leu; replaces phenylalanine 359 with leucine.
Molecular consequence: missense variant.
Genome position (GRCh38, 1-based): chr1:44,829,620, A>C on the plus strand (T>G on the coding strand, the complement: PTCH2 is on the minus strand). VCF-style: chr1-44829620-A-C. GRCh37 (hg19) VCF-style: chr1-45295292-A-C.
Other names: c.1077T>G, p.Phe359Leu (NM_001166292.2); short protein forms F359L.
Identifiers: ClinVar variation 3660418 (VCV003660418.2).
Genomic context (GRCh38, chr1:44,829,620, plus strand): 5'-GGCAGGAGGAGGGAATGGCCTCAGGGCACCCCCCTTGTCCTTGTCCATACCGACCTGCAC[A>C]AAGCGCCGCTGCCAGGCTTGTAGCACTGTGCTGGCCTGCTCCTCACTCCAGCCAATGTCA-3'
Protein context (NP_003729.3, residues 349-369): STVLQAWQRR[Phe359Leu]VQLAQEALPE

ClinVar aggregate classification (germline): Uncertain significance (1 of 4 stars; one submission).

Conditions:
Gorlin syndrome. Also called: Nevoid Basal Cell Carcinoma Syndrome; Basal cell nevus syndrome. Identifiers: Orphanet 377, MedGen C0004779, MONDO:0007187.

gnomAD v4.1: 11 of 1,614,218 alleles (0.00068%); highest among the groups gnomAD compares: Non-Finnish European, 0.00093%; no homozygotes.

Submission:

Labcorp Genetics (formerly Invitae), Labcorp
Classification: Uncertain significance for Gorlin syndrome. Last evaluated: 2024-07-23. Review status: criteria provided, single submitter. Criteria: Invitae Variant Classification Sherloc (09022015). Collection method: clinical testing. Allele origin: germline.
Comment: This sequence change replaces phenylalanine, which is neutral and non-polar, with leucine, which is neutral and non-polar, at codon 359 of the PTCH2 protein (p.Phe359Leu). This variant is not present in population databases (gnomAD no frequency). This variant has not been reported in the literature in individuals affected with PTCH2-related conditions. Advanced modeling of protein sequence and biophysical properties (such as structural, functional, and spatial information, amino acid conservation, physicochemical variation, residue mobility, and thermodynamic stability) performed at Invitae indicates that this missense variant is not expected to disrupt PTCH2 protein function with a negative predictive value of 80%. In summary, the available evidence is currently insufficient to determine the role of this variant in disease. Therefore, it has been classified as a Variant of Uncertain Significance.